The following is an entry in ClinVar:

ClinVar aggregate classification (germline): Conflicting classifications of pathogenicity. Review status: criteria provided, conflicting classifications (1 of 4 stars). 3 submissions from 3 submitters: Uncertain significance (2); Likely benign (1). Last evaluated 2025-02-06.

Conditions:
Fanconi anemia (FA). Also called: Fanconi's anemia. Identifiers: Orphanet 84, MedGen C0015625, MeSH D005199, MONDO:0019391.

Allele frequency attached by ClinVar (database versions not stated): ExAC 0.00001; gnomAD 0.00002; TOPMed 0.00002; gnomAD exomes 0.00003.
gnomAD v4.1: 54 of 1,613,694 alleles (0.0033%); highest among the groups gnomAD compares: Non-Finnish European, 0.0042%; no homozygotes.

Submissions (3):

Quest Diagnostics Nichols Institute San Juan Capistrano
Classification: Uncertain significance. Last evaluated: 2025-02-06. Review status: criteria provided, single submitter. Criteria: Quest Diagnostics criteria. Collection method: clinical testing. Allele origin: unknown.
Comment: The FANCA c.1359+3A>G variant has not been reported in individuals with FANCA-related conditions in the published literature. The frequency of this variant in the general population (Genome Aggregation Database) is uninformative in the assessment of its pathogenicity. Analysis of this variant using software algorithms for the prediction of the effect of nucleotide changes on splicing yielded predictions that this variant does not affect FANCA mRNA splicing. Based on the available information, we are unable to determine the clinical significance of this variant.

Blueprint Genetics
Classification: Likely benign. Last evaluated: 2024-10-25. Review status: criteria provided, single submitter. Criteria: ACMG Guidelines, 2015. Collection method: clinical testing. Allele origin: germline.

Labcorp Genetics (formerly Invitae), Labcorp
Classification: Uncertain significance for Fanconi anemia. Last evaluated: 2022-05-10. Review status: criteria provided, single submitter. Criteria: Invitae Variant Classification Sherloc (09022015). Collection method: clinical testing. Allele origin: germline.
Comment: This sequence change falls in intron 14 of the FANCA gene. It does not directly change the encoded amino acid sequence of the FANCA protein. It affects a nucleotide within the consensus splice site. This variant is present in population databases (rs746282886, gnomAD 0.0009%). This variant has not been reported in the literature in individuals affected with FANCA-related conditions. Variants that disrupt the consensus splice site are a relatively common cause of aberrant splicing (PMID: 17576681, 9536098). Algorithms developed to predict the effect of sequence changes on RNA splicing suggest that this variant is not likely to affect RNA splicing. In summary, the available evidence is currently insufficient to determine the role of this variant in disease. Therefore, it has been classified as a Variant of Uncertain Significance.

Literature cited by the submitters: PubMed 17576681 (cited by Labcorp Genetics (formerly Invitae), Labcorp); PubMed 9536098 (cited by Labcorp Genetics (formerly Invitae), Labcorp).

NM_000135.4(FANCA):c.1359+3A>G

Gene: FANCA (FA complementation group A; minus strand). Cytogenetic location: 16q24.3.
Variant type: single nucleotide variant.
Coding change: c.1359+3A>G on transcript NM_000135.4 (MANE Select); 3 bases into the intron after coding-DNA position 1359, A replaced by G.
Molecular consequence: intron variant.
Genome position (GRCh38, 1-based): chr16:89,791,400, T>C on the plus strand (A>G on the coding strand, the complement: FANCA is on the minus strand). VCF-style: chr16-89791400-T-C. GRCh37 (hg19) VCF-style: chr16-89857808-T-C.
Other names: c.1359+3A>G (NM_000135.3, NM_001286167.3).
Identifiers: ClinVar variation 2189164 (VCV002189164.3), dbSNP rs746282886, ClinGen allele CA8252395.
Genomic context (GRCh38, chr16:89,791,400, plus strand): 5'-GTCCCCACTCCCAGGCCTTCTGGGAAGATCAGGTATTAGGTAGCCGATTGGCAGGTCACT[T>C]ACCTTGAACCAGTCTGCATATGACAGGAACGCAGAGGGGCCCTCCAGTGCTGCCTGGCGC-3'